The following is an entry in ClinVar:

NM_005245.4(FAT1):c.315A>G (p.Thr105=)

Gene: FAT1 (FAT atypical cadherin 1; minus strand). Cytogenetic location: 4q35.2.
Variant type: single nucleotide variant.
Coding change: c.315A>G on transcript NM_005245.4 (MANE Select); coding-DNA position 315, A replaced by G.
Protein change: p.Thr105=; no amino-acid change (threonine 105 retained).
Molecular consequence: synonymous variant.
Genome position (GRCh38, 1-based): chr4:186,709,513, T>C on the plus strand (A>G on the coding strand, the complement: FAT1 is on the minus strand). VCF-style: chr4-186709513-T-C. GRCh37 (hg19) VCF-style: chr4-187630667-T-C.
Other names: c.315A>G (NM_005245.3).
Identifiers: ClinVar variation 2418474 (VCV002418474.33), dbSNP rs1255168110, ClinGen allele CA442896360.

ClinVar aggregate classification (germline): Likely benign. Review status: criteria provided, multiple submitters, no conflicts (2 of 4 stars). 4 submissions from 4 submitters: Likely benign (4). Last evaluated 2025-11-11.

Conditions:
FAT1-related disorder. Also called: FAT1-related condition.

Allele frequency attached by ClinVar (database versions not stated): gnomAD exomes 0.00001.

Submissions (4):

PreventionGenetics, part of Exact Sciences
Classification: Likely benign for FAT1-related condition. Last evaluated: 2025-11-11. Review status: criteria provided, single submitter. Criteria: ACMG Guidelines, 2015. Collection method: clinical testing. Allele origin: germline.
Comment: This variant is classified as likely benign based on ACMG/AMP sequence variant interpretation guidelines (Richards et al. 2015 PMID: 25741868, with internal and published modifications).

Labcorp Genetics (formerly Invitae), Labcorp
Classification: Likely benign. Last evaluated: 2025-07-22. Review status: criteria provided, single submitter. Criteria: Invitae Variant Classification Sherloc (09022015). Collection method: clinical testing. Allele origin: germline.

Blueprint Genetics
Classification: Likely benign. Last evaluated: 2022-09-07. Review status: criteria provided, single submitter. Criteria: ACMG Guidelines, 2015. Collection method: clinical testing. Allele origin: germline.

CeGaT Center for Human Genetics Tuebingen
Classification: Likely benign. Last evaluated: 2022-06-01. Review status: criteria provided, single submitter. Criteria: CeGaT Center For Human Genetics Tuebingen Variant Classification Criteria Version 2. Collection method: clinical testing. Allele origin: germline. Affected: yes. Observed: 1 variant allele.
Comment: FAT1: BP4, BP7